The following is an entry in ClinVar:

ClinVar aggregate classification (germline): Pathogenic (1 of 4 stars; one submission).

Conditions:
Developmental and epileptic encephalopathy 94 (DEE94). Also called: Epileptic encephalopathy, childhood-onset; CHD2-Related Neurodevelopmental Disorders. Identifiers: Orphanet 1942, Orphanet 2382, MedGen C3809278, MONDO:0014150, OMIM 615369.

Submission:

Labcorp Genetics (formerly Invitae), Labcorp
Classification: Pathogenic for Developmental and epileptic encephalopathy 94. Last evaluated: 2025-11-05. Review status: criteria provided, single submitter. Criteria: Invitae Variant Classification Sherloc (09022015). Collection method: clinical testing. Allele origin: germline.
Comment: This sequence change replaces lysine, which is basic and polar, with arginine, which is basic and polar, at codon 702 of the CHD2 protein (p.Lys702Arg). This variant is not present in population databases (gnomAD no frequency). This missense change has been observed in individual(s) with CHD2-related conditions (internal data). In at least one individual the variant was observed to be de novo. ClinVar contains an entry for this variant (Variation ID: 3636675). Invitae Evidence Modeling of protein sequence and biophysical properties (such as structural, functional, and spatial information, amino acid conservation, physicochemical variation, residue mobility, and thermodynamic stability) indicates that this missense variant is not expected to disrupt CHD2 protein function with a negative predictive value of 95%. This variant disrupts the p.Lys702 amino acid residue in CHD2. Other variant(s) that disrupt this residue have been determined to be pathogenic (internal data). This suggests that this residue is clinically significant, and that variants that disrupt this residue are likely to be disease-causing. For these reasons, this variant has been classified as Pathogenic.

NM_001271.4(CHD2):c.2105A>G (p.Lys702Arg)

Gene: CHD2 (chromodomain helicase DNA binding protein 2; plus strand). Cytogenetic location: 15q26.1.
Variant type: single nucleotide variant.
Coding change: c.2105A>G on transcript NM_001271.4 (MANE Select); coding-DNA position 2105, A replaced by G.
Protein change: p.Lys702Arg; replaces lysine 702 with arginine.
Molecular consequence: missense variant.
Genome position (GRCh38, 1-based): chr15:92,967,429, A>G. VCF-style: chr15-92967429-A-G. GRCh37 (hg19) VCF-style: chr15-93510659-A-G.
Other names: short protein forms K702R.
Identifiers: ClinVar variation 3636675 (VCV003636675.2).